The following is an entry in ClinVar:

ClinVar aggregate classification (germline): Uncertain significance (1 of 4 stars; one submission).

Submission:

Labcorp Genetics (formerly Invitae), Labcorp
Classification: Uncertain significance. Last evaluated: 2024-12-12. Review status: criteria provided, single submitter. Criteria: Invitae Variant Classification Sherloc (09022015). Collection method: clinical testing. Allele origin: germline.
Comment: This sequence change replaces glutamic acid, which is acidic and polar, with glycine, which is neutral and non-polar, at codon 312 of the ERBIN protein (p.Glu312Gly). This variant is not present in population databases (gnomAD no frequency). This variant has not been reported in the literature in individuals affected with ERBIN-related conditions. An algorithm developed to predict the effect of missense changes on protein structure and function (PolyPhen-2) suggests that this variant is likely to be disruptive. In summary, the available evidence is currently insufficient to determine the role of this variant in disease. Therefore, it has been classified as a Variant of Uncertain Significance.

NM_001253697.2(ERBIN):c.935A>G (p.Glu312Gly)

Gene: ERBIN (erbb2 interacting protein; plus strand). Cytogenetic location: 5q12.3.
Variant type: single nucleotide variant.
Coding change: c.935A>G on transcript NM_001253697.2 (MANE Select); coding-DNA position 935, A replaced by G.
Protein change: p.Glu312Gly; replaces glutamic acid 312 with glycine.
Molecular consequence: missense variant.
Genome position (GRCh38, 1-based): chr5:66,025,892, A>G. VCF-style: chr5-66025892-A-G. GRCh37 (hg19) VCF-style: chr5-65321720-A-G.
Other names: c.935A>G, p.Glu312Gly (NM_001006600.3, NM_001253698.2, NM_001253699.2 and 2 more transcripts); short protein forms E312G.
Identifiers: ClinVar variation 3677987 (VCV003677987.2).